The following is an entry in ClinVar:

ClinVar aggregate classification (germline): Pathogenic (1 of 4 stars; one submission).

Conditions:
Marfan syndrome (MFS). Also called: MARFAN SYNDROME, TYPE I; Marfan syndrome type 1; Marfan's syndrome; FBN1-Related Marfan Syndrome; Marfan syndrome, classic. Identifiers: Orphanet 284963, Orphanet 558, MedGen C0024796, MONDO:0007947, OMIM 154700.

Submission:

Victorian Clinical Genetics Services, Murdoch Childrens Research Institute
Classification: Pathogenic for Marfan syndrome. Last evaluated: 2021-05-06. Review status: criteria provided, single submitter. Criteria: ACMG Guidelines, 2015. Collection method: clinical testing. Allele origin: germline. Inheritance: Autosomal dominant inheritance.
Comment: Based on the classification scheme VCGS_Germline_v1.3.4, this variant is classified as Pathogenic. Following criteria are met: 0103 - Dominant negative and loss of function are known mechanisms of disease in this gene and are associated with FBN1-related disease. Variants predicted to result in nonsense mediated decay cause loss of function effects, and are more commonly associated with severe Marfan syndrome (MIM#154700). Missense variants with both dominant negative and loss of function effects on protein function, are associated with causing Marfan syndrome and ectopia lentis (MIM#129600) (OMIM, PMID: 29357934). The exact genotype-phenotype correlation for this gene is still unclear, and is compounded by variable expressivity (GeneReviews). (I) 0108 - This gene is associated with both recessive and dominant disease. Patients with a recessive form of disease have Marfan syndrome, however there are very few reports (OMIM). (I) 0115 - Variants in this gene are known to have variable expressivity. The genotype-phenotype correlations for this gene are unclear, with single variants reported in patients with a range of phenotypes (GeneReviews, OMIM). (I) 0200 - Variant is predicted to result in a missense amino acid change from cysteine to tryptophan. (I) 0251 - This variant is heterozygous. (I) 0301 - Variant is absent from gnomAD (both v2 and v3). (SP) 0501 - Missense variant consistently predicted to be damaging by multiple in silico tools or highly conserved with a major amino acid change. (SP) 0601 - Variant is located next to a well-established functional TB4 domain, affecting an essential cysteine residue involved in a disulphide bond (UniProt; PMID: 31227806). (SP) 0701 - Multiple missense variants comparable to the one identified in this case have very strong previous evidence for pathogenicity. Multiple alternative missense changes at this position have been reported in patients with Marfan syndrome (ClinVar, PMID: 18471089, 31227806). (SP) 0807 - This variant has no previous evidence of pathogenicity. (I) 0905 - No published segregation evidence has been identified for this variant. (I) 1007 - No published functional evidence has been identified for this variant. (SP) Legend: (SP) - Supporting pathogenic, (I) - Information, (SB) - Supporting benign

Literature cited by the submitters: PubMed 18471089; PubMed 29357934; PubMed 31227806.

NM_000138.5(FBN1):c.2724T>G (p.Cys908Trp)

Gene: FBN1 (fibrillin 1; minus strand). Cytogenetic location: 15q21.1.
Variant type: single nucleotide variant.
Coding change: c.2724T>G on transcript NM_000138.5 (MANE Select); coding-DNA position 2724, T replaced by G.
Protein change: p.Cys908Trp; replaces cysteine 908 with tryptophan.
Molecular consequence: missense variant.
Genome position (GRCh38, 1-based): chr15:48,494,208, A>C on the plus strand (T>G on the coding strand, the complement: FBN1 is on the minus strand). VCF-style: chr15-48494208-A-C. GRCh37 (hg19) VCF-style: chr15-48786405-A-C.
Other names: c.2724T>G, p.Cys908Trp (NM_001406716.1); short protein forms C908W.
Identifiers: ClinVar variation 3376649 (VCV003376649.1).